The following is an entry in ClinVar:

ClinVar aggregate classification (germline): Uncertain significance (1 of 4 stars; one submission).

Conditions:
Cernunnos-XLF deficiency (IMD124). Also called: NHEJ1 SYNDROME; Severe combined immunodeficiency with sensitivity to ionizing radiation due to NHEJ1 deficiency; SCID, autosomal recessive, T cell-negative, B cell-negative, NK cell-positive, and sensitivity to ionizing radiation due to NHEJ1 deficiency; IMMUNODEFICIENCY 124, SEVERE COMBINED; SCID, AUTOSOMAL RECESSIVE, T CELL-NEGATIVE, B CELL-NEGATIVE, NK CELL-POSITIVE, WITH MICROCEPHALY, GROWTH RETARDATION, AND SENSITIVITY TO IONIZING RADIATION. Identifiers: Orphanet 169079, MedGen C1969799, MONDO:0012650, OMIM 611291.

gnomAD v4.1: 1 of 1,614,196 alleles (0.000062%); highest among the groups gnomAD compares: Admixed American, 0.0017%; no homozygotes.

Submission:

Labcorp Genetics (formerly Invitae), Labcorp
Classification: Uncertain significance for Cernunnos-XLF deficiency. Last evaluated: 2022-10-18. Review status: criteria provided, single submitter. Criteria: Invitae Variant Classification Sherloc (09022015). Collection method: clinical testing. Allele origin: germline.
Comment: This sequence change replaces alanine, which is neutral and non-polar, with threonine, which is neutral and polar, at codon 154 of the NHEJ1 protein (p.Ala154Thr). This variant is not present in population databases (gnomAD no frequency). This variant has not been reported in the literature in individuals affected with NHEJ1-related conditions. Advanced modeling of protein sequence and biophysical properties (such as structural, functional, and spatial information, amino acid conservation, physicochemical variation, residue mobility, and thermodynamic stability) performed at Invitae indicates that this missense variant is not expected to disrupt NHEJ1 protein function. In summary, the available evidence is currently insufficient to determine the role of this variant in disease. Therefore, it has been classified as a Variant of Uncertain Significance.

NM_024782.3(NHEJ1):c.460G>A (p.Ala154Thr)

Gene: NHEJ1 (non-homologous end joining factor 1; minus strand). Cytogenetic location: 2q35.
Variant type: single nucleotide variant.
Coding change: c.460G>A on transcript NM_024782.3 (MANE Select); coding-DNA position 460, G replaced by A.
Protein change: p.Ala154Thr; replaces alanine 154 with threonine.
Molecular consequence: missense variant. On other transcripts: non-coding transcript variant (1).
Genome position (GRCh38, 1-based): chr2:219,147,726, C>T on the plus strand (G>A on the coding strand, the complement: NHEJ1 is on the minus strand). VCF-style: chr2-219147726-C-T. GRCh37 (hg19) VCF-style: chr2-220012448-C-T.
Other names: c.460G>A, p.Ala154Thr (NM_001377498.1, NM_001377499.1); short protein forms A154T.
Identifiers: ClinVar variation 1985391 (VCV001985391.4), dbSNP rs766636405, ClinGen allele CA350628428.
Genomic context (GRCh38, chr2:219,147,726, plus strand): 5'-GCGTAGCCCCACTCTCCTGGTAGTCTTGGATCTCTAGGTCTTTCATATGAAGTAACGTTG[C>T]TAGCTCCCTCACTTGGCACTGTAATGCCAGACTCATGCCCATCAGAGGACGAATCAAATG-3'
Protein context (NP_079058.1, residues 144-164): LALQCQVREL[Ala154Thr]TLLHMKDLEI